The following is an entry in ClinVar:

NM_013382.7(POMT2):c.*790G>A

Gene: POMT2 (protein O-mannosyltransferase 2; minus strand). Cytogenetic location: 14q24.3.
Variant type: single nucleotide variant.
Coding change: c.*790G>A on transcript NM_013382.7 (MANE Select); 790 bases downstream of the stop codon, G replaced by A.
Molecular consequence: 3 prime UTR variant.
Genome position (GRCh38, 1-based): chr14:77,276,586, C>T on the plus strand (G>A on the coding strand, the complement: POMT2 is on the minus strand). VCF-style: chr14-77276586-C-T. GRCh37 (hg19) VCF-style: chr14-77742929-C-T.
Identifiers: ClinVar variation 314536 (VCV000314536.6), dbSNP rs7159558, ClinGen allele CA10645031.

ClinVar aggregate classification (germline): Benign. Review status: criteria provided, multiple submitters, no conflicts (2 of 4 stars). 2 submissions from 2 submitters: Benign (2). Last evaluated 2018-01-13.

Conditions:
Autosomal recessive limb-girdle muscular dystrophy type 2N. Also called: MUSCULAR DYSTROPHY-DYSTROGLYCANOPATHY, LIMB-GIRDLE, POMT2-RELATED; Muscular dystrophy-dystroglycanopathy (limb-girdle), type C, 2. Identifiers: Orphanet 206559, MedGen C3150418, MONDO:0013162, OMIM 613158.

Allele frequency attached by ClinVar (database versions not stated): gnomAD exomes 0.41892; 1000 Genomes Project 30x 0.51077; 1000 Genomes Project 0.51098; TOPMed 0.54022; gnomAD 0.55599 and 0.56247.
gnomAD v4.1: 84,564 of 152,182 alleles (56%); highest among the groups gnomAD compares: African/African-American, 60%; 23,969 homozygotes.

Submissions (2):

Illumina Laboratory Services, Illumina
Classification: Benign for Autosomal recessive limb-girdle muscular dystrophy type 2N. Last evaluated: 2018-01-13. Review status: criteria provided, single submitter. Criteria: ICSL Variant Classification Criteria 13 December 2019. Collection method: clinical testing. Allele origin: germline.
Comment: This variant was observed in the ICSL laboratory as part of a predisposition screen in an ostensibly healthy population. It had not been previously curated by ICSL or reported in the Human Gene Mutation Database (HGMD: prior to June 1st, 2018), and was therefore a candidate for classification through an automated scoring system. Utilizing variant allele frequency, disease prevalence and penetrance estimates, and inheritance mode, an automated score was calculated to assess if this variant is too frequent to cause the disease. Based on the score and internal cut-off values, a variant classified as benign is not then subjected to further curation. The score for this variant resulted in a classification of benign for this disease.

Breakthrough Genomics
Classification: Benign. Review status: criteria provided, single submitter. Criteria: ACMG Guidelines, 2015. Collection method: not provided. Allele origin: germline. Inheritance: Autosomal recessive inheritance. Affected: yes.